The following is an entry in ClinVar:

NM_000135.4(FANCA):c.3935-1G>A

Genes: FANCA (FA complementation group A; minus strand), ZNF276 (zinc finger protein 276; plus strand). Cytogenetic location: 16q24.3.
Variant type: single nucleotide variant.
Coding change: c.3935-1G>A on transcript NM_000135.4 (MANE Select); the canonical splice acceptor site of the intron before coding-DNA position 3935, G replaced by A.
Molecular consequence: splice acceptor variant. On other transcripts: 3 prime UTR variant (2), non-coding transcript variant (4).
Genome position (GRCh38, 1-based): chr16:89,739,554, C>T on the plus strand (G>A on the coding strand, the complement: FANCA is on the minus strand). VCF-style: chr16-89739554-C-T. GRCh37 (hg19) VCF-style: chr16-89805962-C-T.
Other names: c.*1308C>T (NM_001113525.2, NM_152287.4); c.3935-1G>A (NM_001286167.3).
Identifiers: ClinVar variation 835395 (VCV000835395.15), dbSNP rs1555533693, ClinGen allele CA397484880.
Genomic context (GRCh38, chr16:89,739,554, plus strand): 5'-GCAGCAGCCTGGTGTGCTGATCCGGGGCCACACGGAGGAGGAGCCGCCCCAGCCTGAGGT[C>T]TGCAACACCAAGAAGTGGCTCAGGCAACTCTGGACATCTCTGCCTATTATCAGTGCTGGG-3'

ClinVar aggregate classification (germline): Pathogenic. Review status: criteria provided, single submitter (1 of 4 stars). 2 submissions from 2 submitters: Pathogenic (1). 1 of the submissions does not count toward it. Last evaluated 2022-10-28.

Conditions:
Fanconi anemia (FA). Also called: Fanconi's anemia. Identifiers: Orphanet 84, MedGen C0015625, MeSH D005199, MONDO:0019391.

Allele frequency attached by ClinVar (database versions not stated): gnomAD exomes below 0.00001.
gnomAD v4.1: 1 of 1,551,184 alleles (0.000064%); highest among the groups gnomAD compares: Non-Finnish European, 0.000087%; no homozygotes.

Submissions (2):

Labcorp Genetics (formerly Invitae), Labcorp
Classification: Pathogenic for Fanconi anemia. Last evaluated: 2022-10-28. Review status: criteria provided, single submitter. Criteria: Invitae Variant Classification Sherloc (09022015). Collection method: clinical testing. Allele origin: germline.
Comment: For these reasons, this variant has been classified as Pathogenic. Algorithms developed to predict the effect of sequence changes on RNA splicing suggest that this variant may disrupt the consensus splice site. ClinVar contains an entry for this variant (Variation ID: 835395). Disruption of this splice site has been observed in individual(s) with clinical features of Fanconi anemia (PMID: 29779353; Invitae). In at least one individual the data is consistent with being in trans (on the opposite chromosome) from a pathogenic variant. This variant is not present in population databases (gnomAD no frequency). This sequence change affects an acceptor splice site in intron 39 of the FANCA gene. It is expected to disrupt RNA splicing. Variants that disrupt the donor or acceptor splice site typically lead to a loss of protein function (PMID: 16199547), and loss-of-function variants in FANCA are known to be pathogenic (PMID: 19367192).

Natera, Inc.
Classification: Likely pathogenic for Fanconi anemia. Last evaluated: 2021-07-16. Review status: no assertion criteria provided. Collection method: clinical testing. Allele origin: germline. Not counted in ClinVar's aggregate classification.

Literature cited by the submitters: PubMed 29779353 (cited by Labcorp Genetics (formerly Invitae), Labcorp); PubMed 16199547 (cited by Labcorp Genetics (formerly Invitae), Labcorp); PubMed 19367192 (cited by Labcorp Genetics (formerly Invitae), Labcorp).